The following is an entry in ClinVar:

ClinVar aggregate classification (germline): Uncertain significance. Review status: criteria provided, multiple submitters, no conflicts (2 of 4 stars). 2 submissions from 2 submitters: Uncertain significance (2). Last evaluated 2022-09-26.

Conditions:
Hereditary cancer-predisposing syndrome. Also called: Neoplastic Syndromes, Hereditary; Hereditary neoplastic syndrome; Tumor predisposition; Hereditary Cancer Syndrome. Identifiers: Orphanet 140162, MedGen C0027672, MeSH D009386, MONDO:0015356.
Tuberous sclerosis 2 (TSC2). Identifiers: Orphanet 805, MedGen C1860707, MONDO:0013199, OMIM 613254.

Submissions (2):

Ambry Genetics
Classification: Uncertain significance for Hereditary cancer-predisposing syndrome. Last evaluated: 2022-09-26. Review status: criteria provided, single submitter. Criteria: Ambry Variant Classification Scheme 2023. Collection method: clinical testing. Allele origin: germline.
Comment: The p.D288N variant (also known as c.862G>A), located in coding exon 9 of the TSC2 gene, results from a G to A substitution at nucleotide position 862. The aspartic acid at codon 288 is replaced by asparagine, an amino acid with highly similar properties. This amino acid position is highly conserved in available vertebrate species. In addition, the in silico prediction for this alteration is inconclusive. Since supporting evidence is limited at this time, the clinical significance of this alteration remains unclear.

Labcorp Genetics (formerly Invitae), Labcorp
Classification: Uncertain significance for Tuberous sclerosis 2. Last evaluated: 2017-09-18. Review status: criteria provided, single submitter. Criteria: Invitae Variant Classification Sherloc (09022015). Collection method: clinical testing. Allele origin: germline.
Comment: This sequence change replaces aspartic acid with asparagine at codon 288 of the TSC2 protein (p.Asp288Asn). The aspartic acid residue is highly conserved and there is a small physicochemical difference between aspartic acid and asparagine. This variant is not present in population databases (ExAC no frequency). This variant has not been reported in the literature in individuals with TSC2-related disease. Algorithms developed to predict the effect of missense changes on protein structure and function do not agree on the potential impact of this missense change (SIFT: "Deleterious"; PolyPhen-2: "Possibly Damaging"; Align-GVGD: "Class C15"). In summary, the available evidence is currently insufficient to determine the role of this variant in disease. Therefore, it has been classified as a Variant of Uncertain Significance.

NM_000548.5(TSC2):c.862G>A (p.Asp288Asn)

Gene: TSC2 (TSC complex subunit 2; plus strand). Cytogenetic location: 16p13.3.
Variant type: single nucleotide variant.
Coding change: c.862G>A on transcript NM_000548.5 (MANE Select); coding-DNA position 862, G replaced by A.
Protein change: p.Asp288Asn; replaces aspartic acid 288 with asparagine.
Molecular consequence: missense variant.
Genome position (GRCh38, 1-based): chr16:2,058,760, G>A. VCF-style: chr16-2058760-G-A. GRCh37 (hg19) VCF-style: chr16-2108761-G-A.
Other names: c.862G>A, p.Asp288Asn (NM_001077183.3, NM_001114382.3, NM_001363528.2 and 3 more transcripts); c.751G>A, p.Asp251Asn (NM_001318827.2); c.715G>A, p.Asp239Asn (NM_001318829.2); c.262G>A, p.Asp88Asn (NM_001318831.2); c.895G>A, p.Asp299Asn (NM_001318832.2); short protein forms D288N, D299N, D88N, D251N, D239N.
Identifiers: ClinVar variation 535879 (VCV000535879.11), dbSNP rs1555499648, ClinGen allele CA394315000.